The following is an entry in ClinVar:

NM_000436.4(OXCT1):c.824A>G (p.Tyr275Cys)

Gene: OXCT1 (3-oxoacid CoA-transferase 1; minus strand). Cytogenetic location: 5p13.1.
Variant type: single nucleotide variant.
Coding change: c.824A>G on transcript NM_000436.4 (MANE Select); coding-DNA position 824, A replaced by G.
Protein change: p.Tyr275Cys; replaces tyrosine 275 with cysteine.
Molecular consequence: missense variant. On other transcripts: non-coding transcript variant (1).
Genome position (GRCh38, 1-based): chr5:41,807,347, T>C on the plus strand (A>G on the coding strand, the complement: OXCT1 is on the minus strand). VCF-style: chr5-41807347-T-C. GRCh37 (hg19) VCF-style: chr5-41807449-T-C.
Other names: c.845A>G, p.Tyr282Cys (NM_001364299.2, NM_001364300.2); c.818A>G, p.Tyr273Cys (NM_001364301.2); c.824A>G, p.Tyr275Cys (NM_001364302.2); c.266A>G, p.Tyr89Cys (NM_001364303.2); short protein forms Y273C, Y275C, Y282C, Y89C.
Identifiers: ClinVar variation 2015240 (VCV002015240.4), dbSNP rs2478611182, ClinGen allele CA359626598.

ClinVar aggregate classification (germline): Uncertain significance (1 of 4 stars; one submission).

Conditions:
Succinyl-CoA acetoacetate transferase deficiency (SCOTD). Also called: Succinyl CoA:3-oxoacid CoA transferase deficiency; KETOACIDOSIS DUE TO SCOT DEFICIENCY; 3-Oxoacid CoA Transferase Deficiency; SCOT DEFICIENCY; SUCCINYL-CoA:3-KETOACID CoA-TRANSFERASE DEFICIENCY. Identifiers: Orphanet 832, MedGen C0342792, MONDO:0009492, OMIM 245050.

Submission:

Labcorp Genetics (formerly Invitae), Labcorp
Classification: Uncertain significance for Succinyl-CoA acetoacetate transferase deficiency. Last evaluated: 2024-02-24. Review status: criteria provided, single submitter. Criteria: Invitae Variant Classification Sherloc (09022015). Collection method: clinical testing. Allele origin: germline.
Comment: This sequence change replaces tyrosine, which is neutral and polar, with cysteine, which is neutral and slightly polar, at codon 275 of the OXCT1 protein (p.Tyr275Cys). This variant is not present in population databases (gnomAD no frequency). This variant has not been reported in the literature in individuals affected with OXCT1-related conditions. ClinVar contains an entry for this variant (Variation ID: 2015240). Advanced modeling of protein sequence and biophysical properties (such as structural, functional, and spatial information, amino acid conservation, physicochemical variation, residue mobility, and thermodynamic stability) performed at Invitae indicates that this missense variant is expected to disrupt OXCT1 protein function with a positive predictive value of 80%. In summary, the available evidence is currently insufficient to determine the role of this variant in disease. Therefore, it has been classified as a Variant of Uncertain Significance.